The following is an entry in ClinVar:

ClinVar aggregate classification (germline): Uncertain significance. Review status: criteria provided, multiple submitters, no conflicts (2 of 4 stars). 2 submissions from 2 submitters: Uncertain significance (2). Last evaluated 2026-09-07.

Conditions:
Hereditary cancer-predisposing syndrome. Also called: Tumor predisposition; Hereditary Cancer Syndrome; Hereditary neoplastic syndrome; Neoplastic Syndromes, Hereditary. Identifiers: Orphanet 140162, MedGen C0027672, MeSH D009386, MONDO:0015356.
Hereditary diffuse gastric adenocarcinoma (HDGC). Also called: DIFFUSE GASTRIC AND LOBULAR BREAST CANCER SYNDROME. Identifiers: Orphanet 26106, MedGen C1708349, MONDO:0007648, OMIM 137215.

Submissions (2):

Ambry Genetics
Classification: Uncertain significance for Hereditary cancer-predisposing syndrome. Last evaluated: 2026-09-07. Review status: criteria provided, single submitter. Criteria: Ambry Variant Classification Scheme 2023. Collection method: clinical testing. Allele origin: germline.
Comment: The p.D183G variant (also known as c.548A>G), located in coding exon 5 of the CDH1 gene, results from an A to G substitution at nucleotide position 548. The aspartic acid at codon 183 is replaced by glycine, an amino acid with similar properties. This amino acid position is conserved. In addition, the in silico prediction for this alteration is inconclusive. Based on the available evidence, the clinical significance of this variant remains unclear.

Labcorp Genetics (formerly Invitae), Labcorp
Classification: Uncertain significance for Hereditary diffuse gastric adenocarcinoma. Last evaluated: 2024-04-15. Review status: criteria provided, single submitter. Criteria: Invitae Variant Classification Sherloc (09022015). Collection method: clinical testing. Allele origin: germline.
Comment: This sequence change replaces aspartic acid, which is acidic and polar, with glycine, which is neutral and non-polar, at codon 183 of the CDH1 protein (p.Asp183Gly). This variant is not present in population databases (gnomAD no frequency). This variant has not been reported in the literature in individuals affected with CDH1-related conditions. ClinVar contains an entry for this variant (Variation ID: 1014047). An algorithm developed to predict the effect of missense changes on protein structure and function (PolyPhen-2) suggests that this variant is likely to be disruptive. In summary, the available evidence is currently insufficient to determine the role of this variant in disease. Therefore, it has been classified as a Variant of Uncertain Significance.

NM_004360.5(CDH1):c.548A>G (p.Asp183Gly)

Gene: CDH1 (cadherin 1; plus strand). Cytogenetic location: 16q22.1.
Variant type: single nucleotide variant.
Coding change: c.548A>G on transcript NM_004360.5 (MANE Select); coding-DNA position 548, A replaced by G.
Protein change: p.Asp183Gly; replaces aspartic acid 183 with glycine.
Molecular consequence: missense variant. On other transcripts: 5 prime UTR variant (2).
Genome position (GRCh38, 1-based): chr16:68,808,709, A>G. VCF-style: chr16-68808709-A-G. GRCh37 (hg19) VCF-style: chr16-68842612-A-G.
Other names: c.548A>G, p.Asp183Gly (NM_001317184.2); c.-1068A>G (NM_001317185.2); c.-1272A>G (NM_001317186.2); c.548A>G (NM_004360.3); short protein forms D183G.
Identifiers: ClinVar variation 1014047 (VCV001014047.10), dbSNP rs1960736116, ClinGen allele CA396457873.